The following is an entry in ClinVar:

ClinVar aggregate classification (germline): Conflicting classifications of pathogenicity. Review status: criteria provided, conflicting classifications (1 of 4 stars). 6 submissions from 6 submitters: Uncertain significance (4); Likely benign (1). 1 of the submissions does not count toward it. Last evaluated 2026-03-02.

Conditions:
Microscopic hematuria. Also called: Microhematuria. Identifiers: MedGen C0239937, HP:0002907.
Inborn genetic diseases. Identifiers: MedGen C0950123, MeSH D030342.
NPHS1-related disorder. Also called: NPHS1-related condition.
Finnish congenital nephrotic syndrome (NPHS1). Also called: NEPHROTIC SYNDROME, TYPE 1. Identifiers: Orphanet 839, MedGen C0403399, MONDO:0009732, OMIM 256300.

Allele frequency attached by ClinVar (database versions not stated): TOPMed 0.00011; gnomAD exomes 0.00001; ESP Exome Variant Server 0.00008; gnomAD 0.00011.
gnomAD v4.1: 25 of 1,597,072 alleles (0.0016%); highest among the groups gnomAD compares: African/African-American, 0.032%; no homozygotes.

Submissions (6):

Women's Health and Genetics/Laboratory Corporation of America, LabCorp
Classification: Uncertain significance. Last evaluated: 2026-03-02. Review status: criteria provided, single submitter. Criteria: LabCorp Variant Classification Summary - May 2015. Collection method: clinical testing. Allele origin: germline.
Comment: Variant summary: NPHS1 c.1486C>A (p.Arg496Ser) results in a non-conservative amino acid change in the encoded protein sequence. Algorithms developed to predict the effect of missense changes on protein structure and function are either unavailable or do not agree on the potential impact of this missense change. The variant allele was found at a frequency of 1.4e-05 in 214544 control chromosomes. The available data on variant occurrences in the general population are insufficient to allow any conclusion about variant significance. To our knowledge, no occurrence of c.1486C>A in individuals affected with NPHS1-related conditions and no experimental evidence demonstrating its impact on protein function have been reported. ClinVar contains an entry for this variant (Variation ID: 1415681). Based on the evidence outlined above, the variant was classified as uncertain significance.

Ambry Genetics
Classification: Uncertain significance for Inborn genetic diseases. Last evaluated: 2025-05-20. Review status: criteria provided, single submitter. Criteria: Ambry Variant Classification Scheme 2023. Collection method: clinical testing. Allele origin: germline.

Fulgent Genetics
Classification: Uncertain significance for Finnish congenital nephrotic syndrome. Last evaluated: 2024-04-22. Review status: criteria provided, single submitter. Criteria: ACMG Guidelines, 2015. Collection method: clinical testing. Allele origin: germline.

Labcorp Genetics (formerly Invitae), Labcorp
Classification: Likely benign. Last evaluated: 2024-03-01. Review status: criteria provided, single submitter. Criteria: Invitae Variant Classification Sherloc (09022015). Collection method: clinical testing. Allele origin: germline.

UNC Molecular Genetics  Laboratory, University of North Carolina at Chapel Hill
Classification: Uncertain significance for Microscopic hematuria. Last evaluated: 2021-11-01. Review status: criteria provided, single submitter. Criteria: ACMG Guidelines, 2015. Collection method: clinical testing. Allele origin: germline. Affected: yes. Observed: 1 compound heterozygote.

PreventionGenetics, part of Exact Sciences
Classification: Uncertain significance for NPHS1-related condition. Last evaluated: 2024-09-20. Review status: no assertion criteria provided. Collection method: clinical testing. Allele origin: germline. Not counted in ClinVar's aggregate classification.
Comment: The NPHS1 c.1486C>A variant is predicted to result in the amino acid substitution p.Arg496Ser. To our knowledge, this variant has not been reported in the literature. This variant is reported in 0.019% of alleles in individuals of African descent in gnomAD. At this time, the clinical significance of this variant is uncertain due to the absence of conclusive functional and genetic evidence.

NM_004646.4(NPHS1):c.1486C>A (p.Arg496Ser)

Gene: NPHS1 (NPHS1 adhesion molecule, nephrin; minus strand). Cytogenetic location: 19q13.12.
Variant type: single nucleotide variant.
Coding change: c.1486C>A on transcript NM_004646.4 (MANE Select); coding-DNA position 1486, C replaced by A.
Protein change: p.Arg496Ser; replaces arginine 496 with serine.
Molecular consequence: missense variant.
Genome position (GRCh38, 1-based): chr19:35,846,149, G>T on the plus strand (C>A on the coding strand, the complement: NPHS1 is on the minus strand). VCF-style: chr19-35846149-G-T. GRCh37 (hg19) VCF-style: chr19-36337051-G-T.
Other names: short protein forms R496S.
Identifiers: ClinVar variation 1415681 (VCV001415681.14), dbSNP rs373264146, ClinGen allele CA9390410.